The following is an entry in ClinVar:

NM_138773.4(SLC25A46):c.1257A>G (p.Ter419Trp)

Gene: SLC25A46 (solute carrier family 25 member 46; plus strand). Cytogenetic location: 5q22.1.
Variant type: single nucleotide variant.
Coding change: c.1257A>G on transcript NM_138773.4 (MANE Select); coding-DNA position 1257, A replaced by G.
Protein change: p.Ter419Trp.
Molecular consequence: stop lost. On other transcripts: non-coding transcript variant (1).
Genome position (GRCh38, 1-based): chr5:110,761,782, A>G. VCF-style: chr5-110761782-A-G. GRCh37 (hg19) VCF-style: chr5-110097482-A-G.
Other names: *328W; *338W; c.1014A>G, p.Ter338Trp (NM_001303249.3); c.984A>G, p.Ter328Trp (NM_001303250.3).
Identifiers: ClinVar variation 835208 (VCV000835208.10), dbSNP rs1800259229, ClinGen allele CA360698006.

ClinVar aggregate classification (germline): Uncertain significance (1 of 4 stars; one submission).

Conditions:
Neuropathy, hereditary motor and sensory, type 6B (HMSN6B). Also called: HMSN VIB; CHARCOT-MARIE-TOOTH DISEASE, TYPE 6B; NEUROPATHY, HEREDITARY MOTOR AND SENSORY, TYPE VIB, WITH OPTIC ATROPHY; Neuropathy, hereditary motor and sensory, type VIB. Identifiers: MedGen C4225302, MONDO:0014671, OMIM 616505.

Submission:

Labcorp Genetics (formerly Invitae), Labcorp
Classification: Uncertain significance for Neuropathy, hereditary motor and sensory, type 6B. Last evaluated: 2019-02-22. Review status: criteria provided, single submitter. Criteria: Invitae Variant Classification Sherloc (09022015). Collection method: clinical testing. Allele origin: germline.
Comment: This sequence change disrupts the translational stop signal of the SLC25A46 mRNA. It is expected to extend the length of the SLC25A46 protein by 8 additional amino acid residues. This variant is not present in population databases (ExAC no frequency). In summary, the available evidence is currently insufficient to determine the role of this variant in disease. Therefore, it has been classified as a Variant of Uncertain Significance. This variant has not been reported in the literature in individuals with SLC25A46-related conditions.